The following is an entry in ClinVar:

NM_002471.4(MYH6):c.4420A>G (p.Lys1474Glu)

Gene: MYH6 (myosin heavy chain 6; minus strand). Cytogenetic location: 14q11.2.
Variant type: single nucleotide variant.
Coding change: c.4420A>G on transcript NM_002471.4 (MANE Select); coding-DNA position 4420, A replaced by G.
Protein change: p.Lys1474Glu; replaces lysine 1474 with glutamic acid.
Molecular consequence: missense variant.
Genome position (GRCh38, 1-based): chr14:23,387,863, T>C on the plus strand (A>G on the coding strand, the complement: MYH6 is on the minus strand). VCF-style: chr14-23387863-T-C. GRCh37 (hg19) VCF-style: chr14-23857072-T-C.
Other names: short protein forms K1474E.
Identifiers: ClinVar variation 3707785 (VCV003707785.2).

ClinVar aggregate classification (germline): Uncertain significance (1 of 4 stars; one submission).

Conditions:
Hypertrophic cardiomyopathy 14. Identifiers: MedGen C2750467, MONDO:0013197, OMIM 613251.

gnomAD v4.1: 4 of 1,614,056 alleles (0.00025%); highest among the groups gnomAD compares: South Asian, 0.0044%; no homozygotes.

Submission:

Labcorp Genetics (formerly Invitae), Labcorp
Classification: Uncertain significance for Hypertrophic cardiomyopathy 14. Last evaluated: 2025-12-28. Review status: criteria provided, single submitter. Criteria: Invitae Variant Classification Sherloc (09022015). Collection method: clinical testing. Allele origin: germline.
Comment: This sequence change replaces lysine, which is basic and polar, with glutamic acid, which is acidic and polar, at codon 1474 of the MYH6 protein (p.Lys1474Glu). This variant is present in population databases (rs569501889, gnomAD 0.003%). This variant has not been reported in the literature in individuals affected with MYH6-related conditions. ClinVar contains an entry for this variant (Variation ID: 3707785). Invitae Evidence Modeling of protein sequence and biophysical properties (such as structural, functional, and spatial information, amino acid conservation, physicochemical variation, residue mobility, and thermodynamic stability) has been performed for this missense variant. However, the output from this modeling did not meet the statistical confidence thresholds required to predict the impact of this variant on MYH6 protein function. In summary, the available evidence is currently insufficient to determine the role of this variant in disease. Therefore, it has been classified as a Variant of Uncertain Significance.